The following is an entry in ClinVar:

ClinVar aggregate classification (germline): Uncertain significance (1 of 4 stars; one submission).

Conditions:
Aortic valve disease 2 (AOVD2). Identifiers: MedGen C3542024, MONDO:0013902, OMIM 614823.

Submission:

Labcorp Genetics (formerly Invitae), Labcorp
Classification: Uncertain significance for Aortic valve disease 2. Last evaluated: 2025-03-09. Review status: criteria provided, single submitter. Criteria: Invitae Variant Classification Sherloc (09022015). Collection method: clinical testing. Allele origin: germline.
Comment: This sequence change creates a premature translational stop signal (p.Glu160Argfs*28) in the SMAD6 gene. It is expected to result in an absent or disrupted protein product. However, the current clinical and genetic evidence is not sufficient to establish whether loss-of-function variants in SMAD6 cause disease. This variant is not present in population databases (gnomAD no frequency). This variant has not been reported in the literature in individuals affected with SMAD6-related conditions. In summary, the available evidence is currently insufficient to determine the role of this variant in disease. Therefore, it has been classified as a Variant of Uncertain Significance.

NM_005585.5(SMAD6):c.457_476dup (p.Glu160fs)

Gene: SMAD6 (SMAD family member 6; plus strand). Cytogenetic location: 15q22.31.
Variant type: Duplication.
Coding change: c.457_476dup on transcript NM_005585.5 (MANE Select); coding-DNA positions 457 to 476, 20 bases duplicated (GCGGGCGGCGGGCGGAGTCG).
Protein change: p.Glu160fs; shifts the reading frame from glutamic acid 160.
Molecular consequence: frameshift variant. On other transcripts: non-coding transcript variant (1).
Genome position (GRCh38, 1-based): chr15:66,703,715-66,703,734, GCGGGCGGCGGGCGGAGTCG duplicated; duplicating any 20 consecutive bases within chr15:66,703,713-66,703,734 gives the same sequence; the c. name uses the placement nearest the transcript's 3' end. VCF-style (leftmost placement, unchanged base first): chr15-66703712-C-CCGGCGGGCGGCGGGCGGAGT. GRCh37 (hg19) VCF-style: chr15-66996050-C-CCGGCGGGCGGCGGGCGGAGT.
Other names: short protein forms E160fs.
Identifiers: ClinVar variation 4714710 (VCV004714710.1).